The following is an entry in ClinVar:

NM_001291303.3(FAT4):c.13621G>A (p.Glu4541Lys)

Gene: FAT4 (FAT atypical cadherin 4; plus strand). Cytogenetic location: 4q28.1.
Variant type: single nucleotide variant.
Coding change: c.13621G>A on transcript NM_001291303.3 (MANE Select); coding-DNA position 13621, G replaced by A.
Protein change: p.Glu4541Lys; replaces glutamic acid 4541 with lysine.
Molecular consequence: missense variant.
Genome position (GRCh38, 1-based): chr4:125,490,437, G>A. VCF-style: chr4-125490437-G-A. GRCh37 (hg19) VCF-style: chr4-126411592-G-A.
Other names: c.13618G>A, p.Glu4540Lys (NM_001291285.3); c.13615G>A, p.Glu4539Lys (NM_024582.6); short protein forms E4539K, E4540K, E4541K.
Identifiers: ClinVar variation 1313337 (VCV001313337.3), dbSNP rs775440091, ClinGen allele CA3074402.
Genomic context (GRCh38, chr4:125,490,437, plus strand): 5'-CTGGTCCTTAGCCTGATCCTGTGTAACCAGTGCAGGGGGAAGAAGGCCAAAAATCCCAAA[G>A]AGGAGAAGAAACCGAAGGAGAAGAAGAAAAAGGGAAGTGAGAACGTTGCTTTTGATGACC-3'
Protein context (NP_001278232.1, residues 4531-4551): CRGKKAKNPK[Glu4541Lys]EKKPKEKKKK

ClinVar aggregate classification (germline): Uncertain significance. Review status: criteria provided, multiple submitters, no conflicts (2 of 4 stars). 2 submissions from 2 submitters: Uncertain significance (2). Last evaluated 2022-05-31.

Allele frequency attached by ClinVar (database versions not stated): ExAC 0.00001; gnomAD 0.00001; gnomAD exomes 0.00002.
gnomAD v4.1: 28 of 1,614,000 alleles (0.0017%); highest among the groups gnomAD compares: Non-Finnish European, 0.002%; no homozygotes.

Submissions (2):

Labcorp Genetics (formerly Invitae), Labcorp
Classification: Uncertain significance. Last evaluated: 2022-05-31. Review status: criteria provided, single submitter. Criteria: Invitae Variant Classification Sherloc (09022015). Collection method: clinical testing. Allele origin: germline.
Comment: This sequence change replaces glutamic acid, which is acidic and polar, with lysine, which is basic and polar, at codon 4539 of the FAT4 protein (p.Glu4539Lys). This variant is present in population databases (rs775440091, gnomAD 0.006%). This variant has not been reported in the literature in individuals affected with FAT4-related conditions. ClinVar contains an entry for this variant (Variation ID: 1313337). Advanced modeling of protein sequence and biophysical properties (such as structural, functional, and spatial information, amino acid conservation, physicochemical variation, residue mobility, and thermodynamic stability) performed at Invitae indicates that this missense variant is not expected to disrupt FAT4 protein function. In summary, the available evidence is currently insufficient to determine the role of this variant in disease. Therefore, it has been classified as a Variant of Uncertain Significance.

GeneDx
Classification: Uncertain significance. Last evaluated: 2020-10-15. Review status: criteria provided, single submitter. Criteria: GeneDx Variant Classification Process June 2021. Collection method: clinical testing. Allele origin: germline. Affected: yes.
Comment: Not observed at a significant frequency in large population cohorts (Lek et al., 2016); In silico analysis supports that this missense variant does not alter protein structure/function; Has not been previously published as pathogenic or benign to our knowledge